The following is an entry in ClinVar:

NM_018451.5(CPAP):c.3067C>T (p.Arg1023Cys)

Gene: CPAP (centrosome assembly and centriole elongation protein; minus strand). Cytogenetic location: 13q12.12.
Variant type: single nucleotide variant.
Coding change: c.3067C>T on transcript NM_018451.5 (MANE Select); coding-DNA position 3067, C replaced by T.
Protein change: p.Arg1023Cys; replaces arginine 1023 with cysteine.
Molecular consequence: missense variant. On other transcripts: non-coding transcript variant (2).
Genome position (GRCh38, 1-based): chr13:24,892,792, G>A on the plus strand (C>T on the coding strand, the complement: CPAP is on the minus strand). VCF-style: chr13-24892792-G-A. GRCh37 (hg19) VCF-style: chr13-25466930-G-A.
Other names: short protein forms R1023C.
Identifiers: ClinVar variation 2040832 (VCV002040832.4), dbSNP rs1165168883, ClinGen allele CA387580612.
Genomic context (GRCh38, chr13:24,892,792, plus strand): 5'-TTATTTCTTCCCGGAGGTCTGTGTTCTCTCTGACTAACATTTGTATCTGGCTTCTGAGAC[G>A]GCTGTGTGTACTTGACCATTTGGTTTCCTTTCTTTTCAAATCTTCCCGTAAATCTGCTAT-3'
Protein context (NP_060921.3, residues 1013-1033): KETKWSSTHS[Arg1023Cys]LRSQIQMLVR

ClinVar aggregate classification (germline): Uncertain significance (1 of 4 stars; one submission).

Allele frequency attached by ClinVar (database versions not stated): gnomAD exomes below 0.00001.
gnomAD v4.1: 2 of 1,613,628 alleles (0.00012%); highest among the groups gnomAD compares: Non-Finnish European, 0.00017%; no homozygotes.

Submission:

Labcorp Genetics (formerly Invitae), Labcorp
Classification: Uncertain significance. Last evaluated: 2025-05-12. Review status: criteria provided, single submitter. Criteria: Invitae Variant Classification Sherloc (09022015). Collection method: clinical testing. Allele origin: germline.
Comment: This sequence change replaces arginine, which is basic and polar, with cysteine, which is neutral and slightly polar, at codon 1023 of the CENPJ protein (p.Arg1023Cys). This variant is present in population databases (no rsID available, gnomAD 0.0009%). This variant has not been reported in the literature in individuals affected with CENPJ-related conditions. ClinVar contains an entry for this variant (Variation ID: 2040832). Invitae Evidence Modeling of protein sequence and biophysical properties (such as structural, functional, and spatial information, amino acid conservation, physicochemical variation, residue mobility, and thermodynamic stability) indicates that this missense variant is expected to disrupt CENPJ protein function with a positive predictive value of 80%. In summary, the available evidence is currently insufficient to determine the role of this variant in disease. Therefore, it has been classified as a Variant of Uncertain Significance.